The following is an entry in ClinVar:

NM_012120.3(CD2AP):c.1633-9C>T

Gene: CD2AP (CD2 associated protein; plus strand). Cytogenetic location: 6p12.3.
Variant type: single nucleotide variant.
Coding change: c.1633-9C>T on transcript NM_012120.3 (MANE Select); 9 bases into the intron before coding-DNA position 1633, C replaced by T.
Molecular consequence: intron variant.
Genome position (GRCh38, 1-based): chr6:47,609,114, C>T. VCF-style: chr6-47609114-C-T. GRCh37 (hg19) VCF-style: chr6-47576850-C-T.
Identifiers: ClinVar variation 772881 (VCV000772881.4), dbSNP rs757387681, ClinGen allele CA3844420.

ClinVar aggregate classification (germline): Likely benign. Review status: criteria provided, single submitter (1 of 4 stars). 2 submissions from 2 submitters: Likely benign (1). 1 of the submissions does not count toward it. Last evaluated 2017-06-08.

Conditions:
CD2AP-related disorder. Also called: CD2AP-related condition.

Allele frequency attached by ClinVar (database versions not stated): ExAC 0.00002.

Submissions (2):

Labcorp Genetics (formerly Invitae), Labcorp
Classification: Likely benign. Last evaluated: 2017-06-08. Review status: criteria provided, single submitter. Criteria: Invitae Variant Classification Sherloc (09022015). Collection method: clinical testing. Allele origin: germline.

PreventionGenetics, part of Exact Sciences
Classification: Likely benign for CD2AP-related condition. Last evaluated: 2024-05-26. Review status: no assertion criteria provided. Collection method: clinical testing. Allele origin: germline. Not counted in ClinVar's aggregate classification.
Comment: This variant is classified as likely benign based on ACMG/AMP sequence variant interpretation guidelines (Richards et al. 2015 PMID: 25741868, with internal and published modifications).